The following is an entry in ClinVar:

ClinVar aggregate classification (germline): Uncertain significance (1 of 4 stars; one submission).

Conditions:
LAMA2-related muscular dystrophy (LAMA2-RD). Also called: Laminin alpha 2-related dystrophy. Identifiers: MedGen C5679788, MONDO:0100228.

Allele frequency attached by ClinVar (database versions not stated): TOPMed 0.00001.
gnomAD v4.1: 2 of 1,613,928 alleles (0.00012%); no homozygotes.

Submission:

Labcorp Genetics (formerly Invitae), Labcorp
Classification: Uncertain significance for LAMA2-related muscular dystrophy. Last evaluated: 2024-02-23. Review status: criteria provided, single submitter. Criteria: Invitae Variant Classification Sherloc (09022015). Collection method: clinical testing. Allele origin: germline.
Comment: This sequence change replaces glycine, which is neutral and non-polar, with glutamic acid, which is acidic and polar, at codon 1250 of the LAMA2 protein (p.Gly1250Glu). This variant is not present in population databases (gnomAD no frequency). This variant has not been reported in the literature in individuals affected with LAMA2-related conditions. ClinVar contains an entry for this variant (Variation ID: 2078861). Advanced modeling of protein sequence and biophysical properties (such as structural, functional, and spatial information, amino acid conservation, physicochemical variation, residue mobility, and thermodynamic stability) performed at Invitae indicates that this missense variant is not expected to disrupt LAMA2 protein function with a negative predictive value of 95%. In summary, the available evidence is currently insufficient to determine the role of this variant in disease. Therefore, it has been classified as a Variant of Uncertain Significance.

NM_000426.4(LAMA2):c.3749G>A (p.Gly1250Glu)

Gene: LAMA2 (laminin subunit alpha 2; plus strand). Cytogenetic location: 6q22.33.
Variant type: single nucleotide variant.
Coding change: c.3749G>A on transcript NM_000426.4 (MANE Select); coding-DNA position 3749, G replaced by A.
Protein change: p.Gly1250Glu; replaces glycine 1250 with glutamic acid.
Molecular consequence: missense variant.
Genome position (GRCh38, 1-based): chr6:129,315,775, G>A. VCF-style: chr6-129315775-G-A. GRCh37 (hg19) VCF-style: chr6-129636920-G-A.
Other names: c.3749G>A, p.Gly1250Glu (NM_001079823.2); short protein forms G1250E.
Identifiers: ClinVar variation 2078861 (VCV002078861.4), dbSNP rs1186086973, ClinGen allele CA365613193.
Genomic context (GRCh38, chr6:129,315,775, plus strand): 5'-CATTTGGAGATTTATCCAATTCCTCATTCTTCTTTTTATTTTGTCAGTTGATGGCCTATG[G>A]GGGCAAACTCAAGTATGCAATCTATTTCGAGGCTCGGGAAGAAACAGGTTTCTCTACATA-3'
Protein context (NP_000417.3, residues 1240-1260): QFEGKKLMAY[Gly1250Glu]GKLKYAIYFE